The following is an entry in ClinVar:

ClinVar aggregate classification (germline): Uncertain significance (1 of 4 stars; one submission).

Conditions:
X-linked agammaglobulinemia with growth hormone deficiency (IGHD3). Also called: FLEISHER SYNDROME; HYPOGAMMAGLOBULINEMIA AND ISOLATED GROWTH HORMONE DEFICIENCY, X-LINKED; IGHD III; AGAMMAGLOBULINEMIA AND ISOLATED GROWTH HORMONE DEFICIENCY, X-LINKED; Isolated growth hormone deficiency type 3; Growth hormone deficiency with hypogammaglobulinemia. Identifiers: Orphanet 231692, Orphanet 631, MedGen C0472813, MONDO:0010615, OMIM 307200.
X-linked agammaglobulinemia (XLA). Also called: Bruton's agammaglobulinemia; AGAMMAGLOBULINEMIA, X-LINKED, TYPE 1; IMMUNODEFICIENCY 1; Agammaglobulinemia, Bruton tyrosine kinase; Agammaglobulinemia, BTK; BTK-deficiency. Identifiers: Orphanet 229717, Orphanet 47, MedGen C0221026, MONDO:0010421, OMIM 300755.

Submission:

Juno Genomics, Hangzhou Juno Genomics, Inc
Classification: Uncertain significance for X-linked agammaglobulinemia; X-linked agammaglobulinemia with growth hormone deficiency. Review status: criteria provided, single submitter. Criteria: ACMG Guidelines, 2015. Collection method: clinical testing. Allele origin: germline. Affected: yes.
Comment: Absent from controls (or at extremely low frequency if recessive) in Genome Aggregation Database, Exome Sequencing Project, 1000 Genomes Project, or Exome Aggregation Consortium.;The prevalence of the variant in affected individuals is significantly increased compared to the prevalence in controls.;Patient's phenotype or family history is highly specific for a disease with a single genetic etiology.

NM_000061.3(BTK):c.1631+5G>A

Gene: BTK (Bruton tyrosine kinase; minus strand). Cytogenetic location: Xq22.1.
Variant type: single nucleotide variant.
Coding change: c.1631+5G>A on transcript NM_000061.3 (MANE Select); 5 bases into the intron after coding-DNA position 1631, G replaced by A.
Molecular consequence: intron variant.
Genome position (GRCh38, 1-based): chrX:101,354,625, C>T on the plus strand (G>A on the coding strand, the complement: BTK is on the minus strand). VCF-style: chrX-101354625-C-T. GRCh37 (hg19) VCF-style: chrX-100609613-C-T.
Other names: c.1733+5G>A (NM_001287344.2); c.1103+5G>A (NM_001287345.2).
Identifiers: ClinVar variation 3383120 (VCV003383120.2).